The following is an entry in ClinVar:

ClinVar aggregate classification (germline): Benign. Review status: criteria provided, multiple submitters, no conflicts (2 of 4 stars). 17 submissions from 15 submitters: Benign (12). 5 of the submissions do not count toward it. Last evaluated 2026-02-04.

Conditions:
Amyotrophic lateral sclerosis type 5 (ALS5). Also called: AMYOTROPHIC LATERAL SCLEROSIS 5, JUVENILE. Identifiers: Orphanet 300605, MedGen C1865864, MONDO:0011196, OMIM 602099.
Charcot-Marie-Tooth disease axonal type 2X. Also called: CHARCOT-MARIE-TOOTH DISEASE, AXONAL, AUTOSOMAL RECESSIVE, TYPE 2X; CHARCOT-MARIE-TOOTH NEUROPATHY, TYPE 2X. Identifiers: Orphanet 466775, MedGen C5569024, MONDO:0014726, OMIM 616668.
Hereditary spastic paraplegia. Also called: Familial spastic paraparesis. Identifiers: Orphanet 685, MedGen C0037773, MONDO:0019064. Disease mechanism: loss of function.
Hereditary spastic paraplegia 11. Also called: SPASTIC PARAPLEGIA, AUTOSOMAL RECESSIVE, COMPLICATED, WITH THIN CORPUS CALLOSUM; SPASTIC PARAPLEGIA, AUTOSOMAL RECESSIVE, WITH MENTAL IMPAIRMENT AND THIN CORPUS CALLOSUM; Spastic Paraplegia 11; Spastic paraplegia, mental retardation and thin corpus callosum; Nakamura Osame syndrome; Autosomal recessive hereditary spastic paraplegia, mental impairment, and thin corpus callosum. Identifiers: Orphanet 2822, MedGen C1858479, MONDO:0011445, OMIM 604360.

Allele frequency attached by ClinVar (database versions not stated): ExAC 0.46595; gnomAD exomes 0.46769; 1000 Genomes Project 0.47484; ESP Exome Variant Server 0.47929; 1000 Genomes Project 30x 0.47939; gnomAD 0.48012 and 0.48431; TOPMed 0.48990.
gnomAD v4.1: 732,577 of 1,613,660 alleles (45%); highest among the groups gnomAD compares: Admixed American, 56%; 167,750 homozygotes.

Submissions (17):

Labcorp Genetics (formerly Invitae), Labcorp
Classification: Benign for Hereditary spastic paraplegia 11. Last evaluated: 2026-02-04. Review status: criteria provided, single submitter. Criteria: Invitae Variant Classification Sherloc (09022015). Collection method: clinical testing. Allele origin: germline.

Blueprint Genetics
Classification: Benign. Last evaluated: 2024-11-27. Review status: criteria provided, single submitter. Criteria: ACMG Guidelines, 2015. Collection method: clinical testing. Allele origin: germline.

Mendelics
Classification: Benign for Hereditary spastic paraplegia 11. Last evaluated: 2019-05-28. Review status: criteria provided, single submitter. Criteria: Mendelics Assertion Criteria 2017. Collection method: clinical testing. Allele origin: unknown.

Illumina Laboratory Services, Illumina
Classification: Benign for Hereditary spastic paraplegia 11. Last evaluated: 2018-01-13. Review status: criteria provided, single submitter. Criteria: ICSL Variant Classification Criteria 13 December 2019. Collection method: clinical testing. Allele origin: germline.
Comment: This variant was observed in the ICSL laboratory as part of a predisposition screen in an ostensibly healthy population. It had not been previously curated by ICSL or reported in the Human Gene Mutation Database (HGMD: prior to June 1st, 2018), and was therefore a candidate for classification through an automated scoring system. Utilizing variant allele frequency, disease prevalence and penetrance estimates, and inheritance mode, an automated score was calculated to assess if this variant is too frequent to cause the disease. Based on the score and internal cut-off values, a variant classified as benign is not then subjected to further curation. The score for this variant resulted in a classification of benign for this disease.

Athena Diagnostics
Classification: Benign for Hereditary spastic paraplegia 11. Last evaluated: 2017-04-13. Review status: criteria provided, single submitter. Criteria: Athena Diagnostics Criteria. Collection method: clinical testing. Allele origin: germline.

Genome Diagnostics Laboratory, The Hospital for Sick Children
Classification: Benign for Hereditary spastic paraplegia. Last evaluated: 2016-12-12. Review status: criteria provided, single submitter. Criteria: ACMG Guidelines, 2015. Collection method: clinical testing. Allele origin: germline. Affected: yes.

GeneDx
Classification: Benign. Last evaluated: 2016-01-21. Review status: criteria provided, single submitter. Criteria: GeneDx Variant Classification (06012015). Collection method: clinical testing. Allele origin: germline. Affected: yes.
Comment: This variant is considered likely benign or benign based on one or more of the following criteria: it is a conservative change, it occurs at a poorly conserved position in the protein, it is predicted to be benign by multiple in silico algorithms, and/or has population frequency not consistent with disease.

Mayo Clinic Laboratories, Mayo Clinic
Classification: Benign. Last evaluated: 2015-10-21. Review status: criteria provided, single submitter. Criteria: ACMG Guidelines, 2015. Collection method: clinical testing. Allele origin: germline. Observed: 2,333 variant alleles.

Breakthrough Genomics
Classification: Benign. Review status: criteria provided, single submitter. Criteria: ACMG Guidelines, 2015. Collection method: not provided. Allele origin: germline. Inheritance: Autosomal recessive inheritance. Affected: yes.

Genome-Nilou Lab
Classification: Benign for Amyotrophic lateral sclerosis type 5. Review status: criteria provided, single submitter. Criteria: ACMG Guidelines, 2015. Collection method: clinical testing. Allele origin: germline.

Genome-Nilou Lab
Classification: Benign for Charcot-Marie-Tooth disease axonal type 2X. Review status: criteria provided, single submitter. Criteria: ACMG Guidelines, 2015. Collection method: clinical testing. Allele origin: germline.

Genome-Nilou Lab
Classification: Benign for Hereditary spastic paraplegia 11. Review status: criteria provided, single submitter. Criteria: ACMG Guidelines, 2015. Collection method: clinical testing. Allele origin: germline.

Genome Diagnostics Laboratory, Amsterdam University Medical Center
Classification: Benign for Hereditary spastic paraplegia 11. Last evaluated: 2016-04-22. Review status: no assertion criteria provided. Criteria: ACGS Guidelines, 2013. Collection method: clinical testing. Allele origin: germline. Affected: yes. Study: VKGL Data-share Consensus. Not counted in ClinVar's aggregate classification.

Clinical Genetics, Academic Medical Center
Classification: Benign. Review status: no assertion criteria provided. Collection method: clinical testing. Allele origin: germline. Affected: yes. Study: VKGL Data-share Consensus. Not counted in ClinVar's aggregate classification.

Diagnostic Laboratory, Department of Genetics, University Medical Center Groningen
Classification: Benign for Hereditary spastic paraplegia 11. Review status: no assertion criteria provided. Collection method: clinical testing. Allele origin: germline. Affected: yes. Study: VKGL Data-share Consensus. Not counted in ClinVar's aggregate classification.

Genetic Services Laboratory, University of Chicago
Classification: Likely benign for AllHighlyPenetrant. Review status: no assertion criteria provided. Collection method: clinical testing. Allele origin: germline. Inheritance: Autosomal recessive inheritance. Not counted in ClinVar's aggregate classification.
Comment: Likely benign based on allele frequency in 1000 Genomes Project or ESP global frequency and its presence in a patient with a rare or unrelated disease phenotype. NOT Sanger confirmed.

Joint Genome Diagnostic Labs from Nijmegen and Maastricht, Radboudumc and MUMC+
Classification: Benign. Review status: no assertion criteria provided. Collection method: clinical testing. Allele origin: germline. Affected: yes. Study: VKGL Data-share Consensus. Not counted in ClinVar's aggregate classification.

NM_025137.4(SPG11):c.1388T>C (p.Phe463Ser)

Gene: SPG11 (SPG11 vesicle trafficking associated, spatacsin; minus strand). Cytogenetic location: 15q21.1.
Variant type: single nucleotide variant.
Coding change: c.1388T>C on transcript NM_025137.4 (MANE Select); coding-DNA position 1388, T replaced by C.
Protein change: p.Phe463Ser; replaces phenylalanine 463 with serine.
Molecular consequence: missense variant.
Genome position (GRCh38, 1-based): chr15:44,651,559, A>G on the plus strand (T>C on the coding strand, the complement: SPG11 is on the minus strand). VCF-style: chr15-44651559-A-G. GRCh37 (hg19) VCF-style: chr15-44943757-A-G.
Other names: c.1388T>C, p.Phe463Ser (NM_001160227.2); short protein forms F463S.
Identifiers: ClinVar variation 41271 (VCV000041271.34), dbSNP rs3759871, ClinGen allele CA155276.
Genomic context (GRCh38, chr15:44,651,559, plus strand): 5'-ACAAAGCACAGCTGCTGGTCTCCACTACTGTCTACAGGAATACACTTTGTGCCAAGGGAA[A>G]AACACTGCATGCCCTGGGTCTCCAAATCCCAGAGGGTAATGGTATAGCCCATCCTTTCCA-3'
Protein context (NP_079413.3, residues 453-473): WDLETQGMQC[Phe463Ser]SLGTKCIPVD